The following is an entry in ClinVar:

NM_024675.4(PALB2):c.307G>C (p.Gly103Arg)

Gene: PALB2 (partner and localizer of BRCA2; minus strand). Cytogenetic location: 16p12.2.
Variant type: single nucleotide variant.
Coding change: c.307G>C on transcript NM_024675.4 (MANE Select); coding-DNA position 307, G replaced by C.
Protein change: p.Gly103Arg; replaces glycine 103 with arginine.
Molecular consequence: missense variant. On other transcripts: intron variant (3), 5 prime UTR variant (8).
Genome position (GRCh38, 1-based): chr16:23,636,239, C>G on the plus strand (G>C on the coding strand, the complement: PALB2 is on the minus strand). VCF-style: chr16-23636239-C-G. GRCh37 (hg19) VCF-style: chr16-23647560-C-G.
Other names: c.-105+4871G>C (NM_001407313.1, NM_001407312.1); c.247G>C, p.Gly83Arg (NM_001407296.1); c.307G>C, p.Gly103Arg (NM_001407297.1, NM_001407298.1, NM_001407299.1 and 3 more transcripts); c.-579G>C (NM_001407304.1, NM_001407305.1, NM_001407306.1 and 5 more transcripts); c.48+4871G>C (NM_001407314.1); short protein forms G103R, G83R.
Identifiers: ClinVar variation 2721706 (VCV002721706.4), dbSNP rs2142446440, ClinGen allele CA395138791.

ClinVar aggregate classification (germline): Conflicting classifications of pathogenicity. Review status: criteria provided, conflicting classifications (1 of 4 stars). 2 submissions from 2 submitters: Uncertain significance (1); Likely benign (1). Last evaluated 2024-08-13.

Conditions:
Hereditary cancer-predisposing syndrome. Also called: Neoplastic Syndromes, Hereditary; Tumor predisposition; Hereditary neoplastic syndrome; Hereditary Cancer Syndrome. Identifiers: Orphanet 140162, MedGen C0027672, MeSH D009386, MONDO:0015356.
Familial cancer of breast. Also called: hereditary breast carcinoma; BREAST CANCER, FAMILIAL; Hereditary breast cancer. Identifiers: Orphanet 227535, MedGen C0346153, MONDO:0016419, OMIM 114480. Disease mechanism: loss of function.

Submissions (2):

Ambry Genetics
Classification: Likely benign for Hereditary cancer-predisposing syndrome. Last evaluated: 2024-08-13. Review status: criteria provided, single submitter. Criteria: Ambry Variant Classification Scheme 2023. Collection method: clinical testing. Allele origin: germline.

Labcorp Genetics (formerly Invitae), Labcorp
Classification: Uncertain significance for Familial cancer of breast. Last evaluated: 2023-12-25. Review status: criteria provided, single submitter. Criteria: Invitae Variant Classification Sherloc (09022015). Collection method: clinical testing. Allele origin: germline.
Comment: This sequence change replaces glycine, which is neutral and non-polar, with arginine, which is basic and polar, at codon 103 of the PALB2 protein (p.Gly103Arg). This variant is not present in population databases (gnomAD no frequency). This missense change has been observed in individual(s) with breast cancer (PMID: 34326862). An algorithm developed to predict the effect of missense changes on protein structure and function (PolyPhen-2) suggests that this variant is likely to be tolerated. In summary, the available evidence is currently insufficient to determine the role of this variant in disease. Therefore, it has been classified as a Variant of Uncertain Significance.

Literature cited by the submitters: PubMed 34326862 (cited by Labcorp Genetics (formerly Invitae), Labcorp).